The following is an entry in ClinVar:

NM_001875.5(CPS1):c.1702G>T (p.Glu568Ter)

Gene: CPS1 (carbamoyl-phosphate synthase 1; plus strand). Cytogenetic location: 2q34.
Variant type: single nucleotide variant.
Coding change: c.1702G>T on transcript NM_001875.5 (MANE Select); coding-DNA position 1702, G replaced by T.
Protein change: p.Glu568Ter; replaces glutamic acid 568 with a stop codon.
Molecular consequence: nonsense. On other transcripts: non-coding transcript variant (2).
Genome position (GRCh38, 1-based): chr2:210,600,707, G>T. VCF-style: chr2-210600707-G-T. GRCh37 (hg19) VCF-style: chr2-211465431-G-T.
Other names: c.1702G>T, p.Glu568Ter (NM_001122633.3, NM_001369257.1); c.1735G>T, p.Glu579Ter (NM_001369256.1); short protein forms E568*, E579*.
Identifiers: ClinVar variation 4814945 (VCV004814945.1).

ClinVar aggregate classification (germline): Likely pathogenic (1 of 4 stars; one submission).

Conditions:
Congenital hyperammonemia, type I. Also called: Carbamoyl phosphate synthetase I deficiency disease; CPS I DEFICIENCY; Carbamoyl phosphate synthetase 1 deficiency; Hyperammonemia due to carbamoyl phosphate synthetase 1 deficiency; CPS 1 deficiency; Carbamyl phosphate synthetase (CPS) deficiency. Identifiers: Orphanet 147, MedGen C4082171, MONDO:0009376, OMIM 237300.

Submission:

Natera, Inc.
Classification: Likely pathogenic for Carbamoyl-phosphate synthase I deficiency. Last evaluated: 2024-12-01. Review status: criteria provided, single submitter. Criteria: Natera Variant Classification Schema (03/2026). Collection method: clinical testing. Allele origin: germline.
Comment: The c.1702G>T variant in CPS1 is a nonsense variant predicted to introduce a stop codon at amino acid 568. This variant is expected to result in nonsense mediated decay, truncation, or a dysfunctional protein product. This variant is rare in the general population with a frequency below the threshold expected for the associated phenotype(s). Given the available evidence, this variant is classified as Likely Pathogenic.